The following is an entry in ClinVar:

ClinVar aggregate classification (germline): Uncertain significance (1 of 4 stars; one submission).

Conditions:
Loricrin keratoderma. Also called: Vohwinkel syndrome with ichthyosis. Identifiers: Orphanet 79395, MedGen C1858805, MONDO:0011396, OMIM 604117.

Submission:

Laboratorio de Genetica e Diagnostico Molecular, Hospital Israelita Albert Einstein
Classification: Uncertain significance for Loricrin keratoderma. Last evaluated: 2022-11-19. Review status: criteria provided, single submitter. Criteria: ACMG Guidelines, 2015. Collection method: clinical testing. Allele origin: germline. Affected: yes.
Comment: ACMG classification criteria: PM2 moderated, BP4 supporting

NM_000427.3(LORICRIN):c.736G>C (p.Gly246Arg)

Gene: LORICRIN (loricrin cornified envelope precursor protein; plus strand). Cytogenetic location: 1q21.3.
Variant type: single nucleotide variant.
Coding change: c.736G>C on transcript NM_000427.3 (MANE Select); coding-DNA position 736, G replaced by C.
Protein change: p.Gly246Arg; replaces glycine 246 with arginine.
Molecular consequence: missense variant.
Genome position (GRCh38, 1-based): chr1:153,261,685, G>C. VCF-style: chr1-153261685-G-C. GRCh37 (hg19) VCF-style: chr1-153234161-G-C.
Other names: short protein forms G246R.
Identifiers: ClinVar variation 2431419 (VCV002431419.2), dbSNP rs1658802544, ClinGen allele CA342507401.